The following is an entry in ClinVar:

NM_138691.3(TMC1):c.1607A>G (p.Tyr536Cys)

Gene: TMC1 (transmembrane channel like 1; plus strand). Cytogenetic location: 9q21.13.
Variant type: single nucleotide variant.
Coding change: c.1607A>G on transcript NM_138691.3 (MANE Select); coding-DNA position 1607, A replaced by G.
Protein change: p.Tyr536Cys; replaces tyrosine 536 with cysteine.
Molecular consequence: missense variant.
Genome position (GRCh38, 1-based): chr9:72,805,422, A>G. VCF-style: chr9-72805422-A-G. GRCh37 (hg19) VCF-style: chr9-75420338-A-G.
Other names: short protein forms Y536C.
Identifiers: ClinVar variation 2804642 (VCV002804642.3), dbSNP rs2489958013, ClinGen allele CA373667584.

ClinVar aggregate classification (germline): Uncertain significance (1 of 4 stars; one submission).

Allele frequency attached by ClinVar (database versions not stated): gnomAD exomes below 0.00001.
gnomAD v4.1: 1 of 1,613,912 alleles (0.000062%); highest among the groups gnomAD compares: East Asian, 0.0022%; no homozygotes.

Submission:

Labcorp Genetics (formerly Invitae), Labcorp
Classification: Uncertain significance. Last evaluated: 2023-12-15. Review status: criteria provided, single submitter. Criteria: Invitae Variant Classification Sherloc (09022015). Collection method: clinical testing. Allele origin: germline.
Comment: This sequence change replaces tyrosine, which is neutral and polar, with cysteine, which is neutral and slightly polar, at codon 536 of the TMC1 protein (p.Tyr536Cys). This variant is not present in population databases (gnomAD no frequency). This variant has not been reported in the literature in individuals affected with TMC1-related conditions. Advanced modeling of protein sequence and biophysical properties (such as structural, functional, and spatial information, amino acid conservation, physicochemical variation, residue mobility, and thermodynamic stability) has been performed at Invitae for this missense variant, however the output from this modeling did not meet the statistical confidence thresholds required to predict the impact of this variant on TMC1 protein function. In summary, the available evidence is currently insufficient to determine the role of this variant in disease. Therefore, it has been classified as a Variant of Uncertain Significance.